The following is an entry in ClinVar:

ClinVar aggregate classification (germline): Conflicting classifications of pathogenicity. Review status: criteria provided, conflicting classifications (1 of 4 stars). 8 submissions from 6 submitters: Likely pathogenic (1); Uncertain significance (2); Benign (4); Likely benign (1). Last evaluated 2026-02-01.

Conditions:
Hemolytic anemia. Identifiers: MedGen C0002878, MONDO:0003664, HP:0001878.
SLC4A1-related disorder. Also called: SLC4A1-related disorders; SLC4A1-related condition.
Hereditary spherocytosis type 4. Also called: SLC4A1-Related Spherocytosis. Identifiers: Orphanet 822, MedGen C2675212, MONDO:0012981, OMIM 612653.
Autosomal dominant distal renal tubular acidosis (DRTA1). Also called: RENAL TUBULAR ACIDOSIS, DISTAL, 1; Renal Tubular Acidosis, Type I; RTA, CLASSIC TYPE; RTA, DISTAL TYPE, AUTOSOMAL DOMINANT; RTA, GRADIENT TYPE. Identifiers: Orphanet 93608, MedGen CN280572, MONDO:0008368, OMIM 179800.
Renal tubular acidosis, distal, 4, with hemolytic anemia. Also called: Renal Tubular Acidosis, Distal, with Hemolytic Anemia. Identifiers: Orphanet 93610, MedGen C5436235, MONDO:0012700, OMIM 611590.

Allele frequency attached by ClinVar (database versions not stated): TOPMed 0.00002; ExAC 0.00128; gnomAD exomes 0.00128; 1000 Genomes Project 30x 0.00219; 1000 Genomes Project 0.00240.
gnomAD v4.1: 954 of 1,613,890 alleles (0.059%); highest among the groups gnomAD compares: South Asian, 0.97%; 9 homozygotes.

Submissions (8):

Labcorp Genetics (formerly Invitae), Labcorp
Classification: Benign. Last evaluated: 2026-02-01. Review status: criteria provided, single submitter. Criteria: Invitae Variant Classification Sherloc (09022015). Collection method: clinical testing. Allele origin: germline.

Rare Kidney Stone Consortium and the Mayo Clinic Hyperoxaluria Center, Mayo Clinic
Classification: Uncertain significance for Renal tubular acidosis, distal, 4, with hemolytic anemia; Autosomal dominant distal renal tubular acidosis. Last evaluated: 2025-10-03. Review status: criteria provided, single submitter. Criteria: ACMG Guidelines, 2015. Collection method: research. Allele origin: germline. Observed: 2 variant alleles.

PreventionGenetics, part of Exact Sciences
Classification: Likely benign for SLC4A1-related condition. Last evaluated: 2025-09-10. Review status: criteria provided, single submitter. Criteria: ACMG Guidelines, 2015. Collection method: clinical testing. Allele origin: germline.
Comment: This variant is classified as likely benign based on ACMG/AMP sequence variant interpretation guidelines (Richards et al. 2015 PMID: 25741868, with internal and published modifications).

Mendelics
Classification: Uncertain significance. Last evaluated: 2022-05-04. Review status: criteria provided, single submitter. Criteria: Mendelics Assertion Criteria 2019. Collection method: clinical testing. Allele origin: germline.

Laboratory of Cyto-molecular Genetics, Department of Anatomy, All India Institute of Medical Sciences (AIIMS), New Delhi
Classification: Likely pathogenic for Autosomal dominant distal renal tubular acidosis. Last evaluated: 2022-03-07. Review status: criteria provided, single submitter. Criteria: ACMG Guidelines, 2015. Collection method: clinical testing. Allele origin: de novo. Affected: yes. Observed: 1 variant allele.
Comment: p.(Glu906Gln), missense variant

Illumina Laboratory Services, Illumina
Classification: Benign for Hereditary spherocytosis type 4. Last evaluated: 2017-05-23. Review status: criteria provided, single submitter. Criteria: ICSL Variant Classification Criteria 13 December 2019. Collection method: clinical testing. Allele origin: germline.
Comment: This variant was observed as part of a predisposition screen in an ostensibly healthy population. A literature search was performed for the gene, cDNA change, and amino acid change (where applicable). No publications were found based on this search. Allele frequency data from public databases was too high to be consistent with this variant causing disease. Therefore, this variant is classified as benign.

Illumina Laboratory Services, Illumina
Classification: Benign for Autosomal dominant distal renal tubular acidosis. Last evaluated: 2017-05-23. Review status: criteria provided, single submitter. Criteria: ICSL Variant Classification Criteria 13 December 2019. Collection method: clinical testing. Allele origin: germline.
Comment: This variant was observed as part of a predisposition screen in an ostensibly healthy population. A literature search was performed for the gene, cDNA change, and amino acid change (where applicable). Publications were found based on this search. The evidence from the literature, in combination with allele frequency data from public databases where available, was sufficient to rule this variant out of causing disease. Therefore, this variant is classified as benign.

Illumina Laboratory Services, Illumina
Classification: Benign for Hemolytic anemia. Last evaluated: 2017-05-23. Review status: criteria provided, single submitter. Criteria: ICSL Variant Classification Criteria 13 December 2019. Collection method: clinical testing. Allele origin: germline.
Comment: the same text as in the submission from Illumina Laboratory Services, Illumina above.

Literature cited by the submitters: PubMed 40794449 (cited by Rare Kidney Stone Consortium and the Mayo Clinic Hyperoxaluria Center, Mayo Clinic); PubMed 35738466 (cited by Laboratory of Cyto-molecular Genetics, Department of Anatomy, All India Institute of Medical Sciences (AIIMS), New Delhi); PubMed 25296721 (cited by Illumina Laboratory Services, Illumina).

NM_000342.4(SLC4A1):c.2716G>C (p.Glu906Gln)

Gene: SLC4A1 (solute carrier family 4 member 1 (Diego blood group); minus strand). Cytogenetic location: 17q21.31.
Variant type: single nucleotide variant.
Coding change: c.2716G>C on transcript NM_000342.4 (MANE Select); coding-DNA position 2716, G replaced by C.
Protein change: p.Glu906Gln; replaces glutamic acid 906 with glutamine.
Molecular consequence: missense variant.
Genome position (GRCh38, 1-based): chr17:44,250,478, C>G on the plus strand (G>C on the coding strand, the complement: SLC4A1 is on the minus strand). VCF-style: chr17-44250478-C-G. GRCh37 (hg19) VCF-style: chr17-42327846-C-G.
Other names: short protein forms E906Q.
Identifiers: ClinVar variation 891769 (VCV000891769.19), dbSNP rs199694087, ClinGen allele CA8599948.